The following is an entry in ClinVar:

ClinVar aggregate classification (germline): Uncertain significance (1 of 4 stars; one submission).

Submission:

Women's Health and Genetics/Laboratory Corporation of America, LabCorp
Classification: Uncertain significance. Last evaluated: 2025-03-27. Review status: criteria provided, single submitter. Criteria: LabCorp Variant Classification Summary - May 2015. Collection method: clinical testing. Allele origin: germline.
Comment: Variant summary: The variant involves the deletion of exons 9-11 in the KPTN gene. A presumed nomenclature of c.(787+1_788-1)_(1182+1_1183-1)del has been designated for the purposes of this classification. This Copy Number Variant (CNV) is expected to alter the reading frame and predicted to result in a truncation, however the inclusion of the penultimate exon in this deletion suggests nonsense mediated decay is uncertain. The variant was absent in 21694 control chromosomes. The available data on variant occurrences in the general population are insufficient to allow any conclusion about variant significance. To our knowledge, no occurrence of c.(787+1_788-1)_(1182+1_1183-1)del in individuals affected with Macrocephaly-Developmental Delay Syndrome and no experimental evidence demonstrating its impact on protein function have been reported. No submitters have cited clinical-significance assessments for this variant to ClinVar. Based on the evidence outlined above, the variant was classified as uncertain significance.

NC_000019.9:g.(47978802_47979788)_(47981039_47983119)del

Gene: KPTN (kaptin, actin binding protein; minus strand). Cytogenetic location: 19q13.32.
Variant type: Deletion.
Identifiers: ClinVar variation 3895904 (VCV003895904.1).